The following is an entry in ClinVar:

NM_000138.5(FBN1):c.2412_2413del (p.Thr804_Cys805insTer)

Gene: FBN1 (fibrillin 1; minus strand). Cytogenetic location: 15q21.1.
Variant type: Deletion.
Coding change: c.2412_2413del on transcript NM_000138.5 (MANE Select); coding-DNA positions 2412 to 2413, 2 bases deleted (AT; older notation c.2412_2413delAT).
Protein change: p.Thr804_Cys805insTer.
Molecular consequence: frameshift variant.
Genome position (GRCh38, 1-based): chr15:48,496,106-48,496,107, AT deleted on the plus strand (AT on the coding strand, the reverse complement: FBN1 is on the minus strand). VCF-style (leftmost placement, unchanged base first): chr15-48496105-CAT-C. GRCh37 (hg19) VCF-style: chr15-48788302-CAT-C.
Other names: c.2412_2413delAT (NM_000138.4, NM_000138.5); c.2412_2413del (NM_000138.4).
Identifiers: ClinVar variation 42304 (VCV000042304.11), dbSNP rs397515769, ClinGen allele CA013002.
Genomic context (GRCh38, chr15:48,496,105, plus strand): 5'-ATGGCATTCCAAAAGATAGCAAAGTACACAGTATAAGAACAAAAATATGGTTTACCTTCA[CAT>C]GTTTTTAGATCAGGTTTGTAGATAAATCCCTTGGGGCAGGTACAGACAAAACTTCCAGGA-3'

ClinVar aggregate classification (germline): Pathogenic. Review status: criteria provided, multiple submitters, no conflicts (2 of 4 stars). 6 submissions from 6 submitters: Pathogenic (4). 2 of the submissions do not count toward it. Last evaluated 2024-11-29.

Conditions:
Marfan syndrome (MFS). Also called: FBN1-Related Marfan Syndrome; Marfan syndrome, classic; MARFAN SYNDROME, TYPE I; Marfan syndrome type 1; Marfan's syndrome. Identifiers: Orphanet 284963, Orphanet 558, MedGen C0024796, MONDO:0007947, OMIM 154700.
Familial thoracic aortic aneurysm and aortic dissection (TAAD). Also called: Thoracic aortic aneurysms and dissections. Identifiers: Orphanet 91387, MedGen C4707243, MONDO:0019625.
Familial aortopathy. Identifiers: MedGen CN078214.

Submissions (6):

Women's Health and Genetics/Laboratory Corporation of America, LabCorp
Classification: Pathogenic for Familial aortopathy. Last evaluated: 2024-11-29. Review status: criteria provided, single submitter. Criteria: LabCorp Variant Classification Summary - May 2015. Collection method: clinical testing. Allele origin: germline.
Comment: Variant summary: FBN1 c.2412_2413delAT (p.Cys805X) results in a premature termination codon, predicted to cause a truncation of the encoded protein or absence of the protein due to nonsense mediated decay, which are commonly known mechanisms for disease. The variant was absent in 251300 control chromosomes. c.2412_2413delAT has been reported in the literature in individuals affected with Marfan syndrome (MFS) (example: Pepe_2001). The following publication has been ascertained in the context of this evaluation (PMID: 11453977). ClinVar contains an entry for this variant (Variation ID: 42304). Based on the evidence outlined above, the variant was classified as pathogenic.

GeneDx
Classification: Pathogenic. Last evaluated: 2024-10-11. Review status: criteria provided, single submitter. Criteria: GeneDx Variant Classification Process June 2021. Collection method: clinical testing. Allele origin: germline. Affected: yes.
Comment: Not observed at significant frequency in large population cohorts (gnomAD); Nonsense variant predicted to result in protein truncation or nonsense mediated decay in a gene for which loss of function is a known mechanism of disease; This variant is associated with the following publications: (PMID: 11453977, 38990105)

Labcorp Genetics (formerly Invitae), Labcorp
Classification: Pathogenic for Marfan syndrome; Familial thoracic aortic aneurysm and aortic dissection. Last evaluated: 2023-07-07. Review status: criteria provided, single submitter. Criteria: Invitae Variant Classification Sherloc (09022015). Collection method: clinical testing. Allele origin: germline.
Comment: This premature translational stop signal has been observed in individual(s) with Marfan syndrome (PMID: 11453977). For these reasons, this variant has been classified as Pathogenic. ClinVar contains an entry for this variant (Variation ID: 42304). This variant is not present in population databases (gnomAD no frequency). This sequence change creates a premature translational stop signal (p.Cys805*) in the FBN1 gene. It is expected to result in an absent or disrupted protein product. Loss-of-function variants in FBN1 are known to be pathogenic (PMID: 17657824, 19293843).

Laboratory for Molecular Medicine, Mass General Brigham Personalized Medicine
Classification: Pathogenic for Marfan syndrome. Last evaluated: 2009-03-24. Review status: criteria provided, single submitter. Criteria: LMM Criteria. Collection method: clinical testing. Allele origin: germline. Observed: 1 variant allele.

Center for Medical Genetics Ghent, University of Ghent
Classification: Pathogenic for Marfan syndrome. Last evaluated: 2017-11-07. Review status: no assertion criteria provided. Collection method: clinical testing. Allele origin: germline. Affected: yes. Not counted in ClinVar's aggregate classification.

Swedish National ChiCaP Initative, Genomic Medicine Sweden
Classification: Pathogenic for Marfan syndrome. Review status: no assertion criteria provided. Collection method: clinical testing. Allele origin: germline. Inheritance: Autosomal dominant inheritance. Affected: yes. Observed: 1 heterozygote. Not counted in ClinVar's aggregate classification.

Literature cited by the submitters: PubMed 11453977 (cited by 3 submitters); PubMed 17657824 (cited by Labcorp Genetics (formerly Invitae), Labcorp); PubMed 19293843 (cited by Labcorp Genetics (formerly Invitae), Labcorp); PubMed 10533071 (cited by Laboratory for Molecular Medicine, Mass General Brigham Personalized Medicine).